The following is an entry in ClinVar:

ClinVar aggregate classification (germline): Benign/Likely benign. Review status: criteria provided, multiple submitters, no conflicts (2 of 4 stars). 4 submissions from 4 submitters: Benign (2); Likely benign (1). 1 of the submissions does not count toward it. Last evaluated 2023-04-01.

Conditions:
MAPK3-related disorder. Also called: MAPK3-related condition.

Allele frequency attached by ClinVar (database versions not stated): 1000 Genomes Project 30x 0.00156; 1000 Genomes Project 0.00160; ESP Exome Variant Server 0.00254; gnomAD 0.00277 and 0.00279; TOPMed 0.00295; gnomAD exomes 0.00311; ExAC 0.00318.

Submissions (4):

CeGaT Center for Human Genetics Tuebingen
Classification: Likely benign. Last evaluated: 2023-04-01. Review status: criteria provided, single submitter. Criteria: CeGaT Center For Human Genetics Tuebingen Variant Classification Criteria Version 2. Collection method: clinical testing. Allele origin: germline. Affected: yes. Observed: 1 variant allele.
Comment: MAPK3: BP4, BP7, BS2

Labcorp Genetics (formerly Invitae), Labcorp
Classification: Benign. Last evaluated: 2019-12-31. Review status: criteria provided, single submitter. Criteria: Invitae Variant Classification Sherloc (09022015). Collection method: clinical testing. Allele origin: germline.

Breakthrough Genomics
Classification: Benign. Review status: criteria provided, single submitter. Criteria: ACMG Guidelines, 2015. Collection method: not provided. Allele origin: germline. Inheritance: Unknown mechanism. Affected: yes.

PreventionGenetics, part of Exact Sciences
Classification: Likely benign for MAPK3-related condition. Last evaluated: 2019-02-28. Review status: no assertion criteria provided. Collection method: clinical testing. Allele origin: germline. Not counted in ClinVar's aggregate classification.
Comment: This variant is classified as likely benign based on ACMG/AMP sequence variant interpretation guidelines (Richards et al. 2015 PMID: 25741868, with internal and published modifications).

NM_002746.3(MAPK3):c.1008G>A (p.Pro336=)

Gene: MAPK3 (mitogen-activated protein kinase 3; minus strand). Cytogenetic location: 16p11.2.
Variant type: single nucleotide variant.
Coding change: c.1008G>A on transcript NM_002746.3 (MANE Select); coding-DNA position 1008, G replaced by A.
Protein change: p.Pro336=; no amino-acid change (proline 336 retained).
Molecular consequence: synonymous variant.
Genome position (GRCh38, 1-based): chr16:30,116,903, C>T on the plus strand (G>A on the coding strand, the complement: MAPK3 is on the minus strand). VCF-style: chr16-30116903-C-T. GRCh37 (hg19) VCF-style: chr16-30128224-C-T.
Other names: c.1008G>A, p.Pro336= (NM_001040056.3); c.876G>A, p.Pro292= (NM_001109891.2).
Identifiers: ClinVar variation 710826 (VCV000710826.30), dbSNP rs1143695, ClinGen allele CA8002711.